The following is an entry in ClinVar:

ClinVar aggregate classification (germline): Uncertain significance (1 of 4 stars; one submission).

gnomAD v4.1: 5 of 1,612,430 alleles (0.00031%); highest among the groups gnomAD compares: Non-Finnish European, 0.00042%; no homozygotes.

Submission:

Labcorp Genetics (formerly Invitae), Labcorp
Classification: Uncertain significance. Last evaluated: 2021-10-13. Review status: criteria provided, single submitter. Criteria: Invitae Variant Classification Sherloc (09022015). Collection method: clinical testing. Allele origin: germline.
Comment: This variant is not present in population databases (ExAC no frequency). This variant has not been reported in the literature in individuals affected with LIPC-related conditions. Algorithms developed to predict the effect of missense changes on protein structure and function are either unavailable or do not agree on the potential impact of this missense change (SIFT: "Deleterious"; PolyPhen-2: "Probably Damaging"; Align-GVGD: "Class C0"). In summary, the available evidence is currently insufficient to determine the role of this variant in disease. Therefore, it has been classified as a Variant of Uncertain Significance. This sequence change replaces leucine with proline at codon 125 of the LIPC protein (p.Leu125Pro). The leucine residue is moderately conserved and there is a moderate physicochemical difference between leucine and proline.

NM_000236.3(LIPC):c.374T>C (p.Leu125Pro)

Gene: LIPC (lipase C, hepatic type; plus strand). Cytogenetic location: 15q21.3.
Variant type: single nucleotide variant.
Coding change: c.374T>C on transcript NM_000236.3 (MANE Select); coding-DNA position 374, T replaced by C.
Protein change: p.Leu125Pro; replaces leucine 125 with proline.
Molecular consequence: missense variant.
Genome position (GRCh38, 1-based): chr15:58,541,885, T>C. VCF-style: chr15-58541885-T-C. GRCh37 (hg19) VCF-style: chr15-58834084-T-C.
Other names: short protein forms L125P.
Identifiers: ClinVar variation 1525181 (VCV001525181.6), dbSNP rs2140912532, ClinGen allele CA392611261.